The following is an entry in ClinVar:

NM_004385.5(VCAN):c.6343A>G (p.Thr2115Ala)

Genes: VCAN (versican; plus strand), VCAN-AS1 (VCAN antisense RNA 1; minus strand). Cytogenetic location: 5q14.3.
Variant type: single nucleotide variant.
Coding change: c.6343A>G on transcript NM_004385.5 (MANE Select); coding-DNA position 6343, A replaced by G.
Protein change: p.Thr2115Ala; replaces threonine 2115 with alanine.
Molecular consequence: missense variant. On other transcripts: intron variant (2).
Genome position (GRCh38, 1-based): chr5:83,539,346, A>G. VCF-style: chr5-83539346-A-G. GRCh37 (hg19) VCF-style: chr5-82835165-A-G.
Other names: c.3382A>G, p.Thr1128Ala (NM_001164097.2); c.4004-6191A>G (NM_001164098.2); c.1043-6191A>G (NM_001126336.3); short protein forms T1128A, T2115A.
Identifiers: ClinVar variation 2105092 (VCV002105092.4), dbSNP rs1231020338, ClinGen allele CA360312343.

ClinVar aggregate classification (germline): Uncertain significance (1 of 4 stars; one submission).

Allele frequency attached by ClinVar (database versions not stated): gnomAD exomes below 0.00001.
gnomAD v4.1: 2 of 1,614,136 alleles (0.00012%); highest among the groups gnomAD compares: Non-Finnish European, 0.00017%; no homozygotes.

Submission:

Labcorp Genetics (formerly Invitae), Labcorp
Classification: Uncertain significance. Last evaluated: 2022-03-01. Review status: criteria provided, single submitter. Criteria: Invitae Variant Classification Sherloc (09022015). Collection method: clinical testing. Allele origin: germline.
Comment: In summary, the available evidence is currently insufficient to determine the role of this variant in disease. Therefore, it has been classified as a Variant of Uncertain Significance. Algorithms developed to predict the effect of missense changes on protein structure and function output the following: SIFT: "Tolerated"; PolyPhen-2: "Benign"; Align-GVGD: "Class C0". The alanine amino acid residue is found in multiple mammalian species, which suggests that this missense change does not adversely affect protein function. This variant has not been reported in the literature in individuals affected with VCAN-related conditions. This variant is present in population databases (no rsID available, gnomAD 0.0009%). This sequence change replaces threonine, which is neutral and polar, with alanine, which is neutral and non-polar, at codon 2115 of the VCAN protein (p.Thr2115Ala).